The following is an entry in ClinVar:

ClinVar aggregate classification (germline): Uncertain significance (1 of 4 stars; one submission).

Conditions:
Dilated cardiomyopathy 1R (CMD1R). Identifiers: Orphanet 154, Orphanet 54260, MedGen C3150681, MONDO:0013261, OMIM 613424.
Atrial septal defect 5 (ASD5). Identifiers: Orphanet 1478, MedGen C2748552, MONDO:0013011, OMIM 612794.
Hypertrophic cardiomyopathy 11. Also called: ACTC1-Related Familial Hypertrophic Cardiomyopathy. Identifiers: MedGen C2677506, MONDO:0012799, OMIM 612098.

Submission:

Labcorp Genetics (formerly Invitae), Labcorp
Classification: Uncertain significance for Dilated cardiomyopathy 1R; Hypertrophic cardiomyopathy 11; Atrial septal defect 5. Last evaluated: 2020-09-08. Review status: criteria provided, single submitter. Criteria: Invitae Variant Classification Sherloc (09022015). Collection method: clinical testing. Allele origin: germline.
Comment: Algorithms developed to predict the effect of missense changes on protein structure and function (SIFT, PolyPhen-2, Align-GVGD) all suggest that this variant is likely to be disruptive, but these predictions have not been confirmed by published functional studies and their clinical significance is uncertain. This sequence change replaces methionine with threonine at codon 121 of the ACTC1 protein (p.Met121Thr). The methionine residue is highly conserved and there is a moderate physicochemical difference between methionine and threonine. This variant is not present in population databases (ExAC no frequency). This variant has not been reported in the literature in individuals with ACTC1-related conditions. In summary, the available evidence is currently insufficient to determine the role of this variant in disease. Therefore, it has been classified as a Variant of Uncertain Significance.

NM_005159.5(ACTC1):c.362T>C (p.Met121Thr)

Genes: GJD2-DT (GJD2 divergent transcript; plus strand), ACTC1 (actin alpha cardiac muscle 1; minus strand). Cytogenetic location: 15q14.
Variant type: single nucleotide variant.
Coding change: c.362T>C on transcript NM_005159.5 (MANE Select); coding-DNA position 362, T replaced by C.
Protein change: p.Met121Thr; replaces methionine 121 with threonine.
Molecular consequence: missense variant.
Genome position (GRCh38, 1-based): chr15:34,793,337, A>G on the plus strand (T>C on the coding strand, the complement: ACTC1 is on the minus strand). VCF-style: chr15-34793337-A-G. GRCh37 (hg19) VCF-style: chr15-35085538-A-G.
Other names: short protein forms M121T.
Identifiers: ClinVar variation 1042787 (VCV001042787.8), dbSNP rs1891746619, ClinGen allele CA391631406.
Genomic context (GRCh38, chr15:34,793,337, plus strand): 5'-ACTGCCTGGATGGCCACGTACATGGCAGGGACATTGAAGGTCTCAAACATGATCTGAGTC[A>G]TCTTCTCCCGGTTGGCCTTGGGGTTCAGCGGGGCCTCTGTGAGCAGGGTGGGGTGCTCCT-3'
Protein context (NP_005150.1, residues 111-131): PLNPKANREK[Met121Thr]TQIMFETFNV